The following is an entry in ClinVar:

ClinVar aggregate classification (germline): Uncertain significance (1 of 4 stars; one submission).

Conditions:
Charcot-Marie-Tooth disease dominant intermediate C (CMTDIC). Also called: CHARCOT-MARIE-TOOTH NEUROPATHY, DOMINANT INTERMEDIATE C. Identifiers: Orphanet 100045, MedGen C1842237, MONDO:0012012, OMIM 608323.

Submission:

Labcorp Genetics (formerly Invitae), Labcorp
Classification: Uncertain significance for Charcot-Marie-Tooth disease dominant intermediate C. Last evaluated: 2024-09-15. Review status: criteria provided, single submitter. Criteria: Invitae Variant Classification Sherloc (09022015). Collection method: clinical testing. Allele origin: germline.
Comment: This sequence change replaces lysine, which is basic and polar, with threonine, which is neutral and polar, at codon 231 of the YARS protein (p.Lys231Thr). This variant is not present in population databases (gnomAD no frequency). This variant has not been reported in the literature in individuals affected with YARS-related conditions. ClinVar contains an entry for this variant (Variation ID: 1681514). Invitae Evidence Modeling of protein sequence and biophysical properties (such as structural, functional, and spatial information, amino acid conservation, physicochemical variation, residue mobility, and thermodynamic stability) indicates that this missense variant is expected to disrupt YARS protein function with a positive predictive value of 80%. In summary, the available evidence is currently insufficient to determine the role of this variant in disease. Therefore, it has been classified as a Variant of Uncertain Significance.

NM_003680.4(YARS1):c.692A>C (p.Lys231Thr)

Genes: YARS1 (tyrosyl-tRNA synthetase 1; minus strand), LOC126805688 (BRD4-independent group 4 enhancer GRCh37_chr1:33251929-33253128; plus strand). Cytogenetic location: 1p35.1.
Variant type: single nucleotide variant.
Coding change: c.692A>C on transcript NM_003680.4 (MANE Select); coding-DNA position 692, A replaced by C.
Protein change: p.Lys231Thr; replaces lysine 231 with threonine.
Molecular consequence: missense variant.
Genome position (GRCh38, 1-based): chr1:32,787,068, T>G on the plus strand (A>C on the coding strand, the complement: YARS1 is on the minus strand). VCF-style: chr1-32787068-T-G. GRCh37 (hg19) VCF-style: chr1-33252669-T-G.
Other names: short protein forms K231T.
Identifiers: ClinVar variation 1681514 (VCV001681514.8), dbSNP rs2148604150, ClinGen allele CA339685532.